The following is an entry in ClinVar:

ClinVar aggregate classification (germline): Uncertain significance (1 of 4 stars; one submission).

Conditions:
Wilms tumor 1 (WT1). Also called: Wilms tumor, somatic. Identifiers: Orphanet 654, MedGen CN033288, MONDO:0008679, OMIM 194070.

Submission:

Labcorp Genetics (formerly Invitae), Labcorp
Classification: Uncertain significance for Wilms tumor 1. Last evaluated: 2023-12-11. Review status: criteria provided, single submitter. Criteria: Invitae Variant Classification Sherloc (09022015). Collection method: clinical testing. Allele origin: germline.
Comment: This sequence change replaces aspartic acid, which is acidic and polar, with asparagine, which is neutral and polar, at codon 189 of the GPC3 protein (p.Asp189Asn). This variant is not present in population databases (gnomAD no frequency). This variant has not been reported in the literature in individuals affected with GPC3-related conditions. ClinVar contains an entry for this variant (Variation ID: 1017085). An algorithm developed to predict the effect of missense changes on protein structure and function (PolyPhen-2) suggests that this variant is likely to be tolerated. In summary, the available evidence is currently insufficient to determine the role of this variant in disease. Therefore, it has been classified as a Variant of Uncertain Significance.

NM_004484.4(GPC3):c.565G>A (p.Asp189Asn)

Gene: GPC3 (glypican 3; minus strand). Cytogenetic location: Xq26.2.
Variant type: single nucleotide variant.
Coding change: c.565G>A on transcript NM_004484.4 (MANE Select); coding-DNA position 565, G replaced by A.
Protein change: p.Asp189Asn; replaces aspartic acid 189 with asparagine.
Molecular consequence: missense variant.
Genome position (GRCh38, 1-based): chrX:133,753,949, C>T on the plus strand (G>A on the coding strand, the complement: GPC3 is on the minus strand). VCF-style: chrX-133753949-C-T. GRCh37 (hg19) VCF-style: chrX-132887976-C-T.
Other names: c.565G>A, p.Asp189Asn (NM_001164617.2); c.517G>A, p.Asp173Asn (NM_001164618.2); c.403G>A, p.Asp135Asn (NM_001164619.2); short protein forms D135N, D173N, D189N.
Identifiers: ClinVar variation 1017085 (VCV001017085.9), dbSNP rs900143355, ClinGen allele CA414706344.
Genomic context (GRCh38, chrX:133,753,949, plus strand): 5'-CAAATACTTTCAGGTCACGTCTTGCTCCTCGGAGGCACTCATTGATGTCCAAGGCTGAAT[C>T]AGGCAGGCCTGGGTTCATTAGCTGGGTATAGATGACTGGAAACAGGCTGTCAAACAATTC-3'
Protein context (NP_004475.1, residues 179-199): YTQLMNPGLP[Asp189Asn]SALDINECLR